The following is an entry in ClinVar:

NC_000020.11:g.(?_63406624)_(63439728_?)del

Genes: KCNQ2 (potassium voltage-gated channel subfamily Q member 2; minus strand), LOC125387319 (Sharpr-MPRA regulatory region 327; plus strand). Cytogenetic location: 20q13.33.
Variant type: Deletion.
Identifiers: ClinVar variation 461211 (VCV000461211.2).

ClinVar aggregate classification (germline): Pathogenic (1 of 4 stars; one submission).

Conditions:
Developmental and epileptic encephalopathy. Identifiers: MedGen C5779964, MONDO:0100620.

Submission:

Labcorp Genetics (formerly Invitae), Labcorp
Classification: Pathogenic for Early-infantile DEE. Last evaluated: 2017-06-03. Review status: criteria provided, single submitter. Criteria: Invitae Variant Classification Sherloc (09022015). Collection method: clinical testing. Allele origin: germline.
Comment: This variant is a gross deletion of the genomic region encompassing exons 6-17 of the KCNQ2 gene. The 5' boundary is likely confined to intron 5. The 3' end of this event is unknown as it extends through the termination codon beyond the assayed region for this gene and may encompass additional genes. While this deletion is not anticipated to result in nonsense mediated decay, it is expected to create a truncated protein product or disrupt mRNA translation. This particular deletion has not been reported in the literature in individuals with a KCNQ2-related disease. Â¬â€ However, other deletions that truncate the protein, including deletion of exons 9-17 and exons 13-17, have been reported to segregate with disease in families affected with benign familial neonatal seizures (PMID: 9425895, 14534157, 23360469). This suggests that deletion of this region of the KCNQ2 protein is causative of disease. For these reasons, this variant has been classified as Pathogenic.